The following is an entry in ClinVar:

NM_001015877.2(PHF6):c.1080G>A (p.Gln360=)

Gene: PHF6 (PHD finger protein 6; plus strand). Cytogenetic location: Xq26.2.
Variant type: single nucleotide variant.
Coding change: c.1080G>A on transcript NM_001015877.2 (MANE Select); coding-DNA position 1080, G replaced by A.
Protein change: p.Gln360=; no amino-acid change (glutamine 360 retained).
Molecular consequence: synonymous variant.
Genome position (GRCh38, 1-based): chrX:134,425,312, G>A. VCF-style: chrX-134425312-G-A. GRCh37 (hg19) VCF-style: chrX-133559342-G-A.
Other names: c.1080G>A, p.Gln360= (NM_032458.3).
Identifiers: ClinVar variation 4991274 (VCV004991274.1).

ClinVar aggregate classification (germline): Likely benign (1 of 4 stars; one submission).

Conditions:
PHF6-related disorder. Also called: PHF6-related condition.

Submission:

PreventionGenetics, part of Exact Sciences
Classification: Likely benign for PHF6-related condition. Last evaluated: 2026-07-15. Review status: criteria provided, single submitter. Criteria: ACMG Guidelines, 2015. Collection method: clinical testing. Allele origin: germline.
Comment: This variant is classified as likely benign based on ACMG/AMP sequence variant interpretation guidelines (Richards et al. 2015 PMID: 25741868, with internal and published modifications).